The following is an entry in ClinVar:

ClinVar aggregate classification (germline): Uncertain significance (1 of 4 stars; one submission).

Allele frequency attached by ClinVar (database versions not stated): gnomAD 0.00004; gnomAD exomes 0.00012; TOPMed 0.00012; 1000 Genomes Project 0.00020; ExAC 0.00026; 1000 Genomes Project 30x 0.00031.

Submission:

Labcorp Genetics (formerly Invitae), Labcorp
Classification: Uncertain significance. Last evaluated: 2025-10-06. Review status: criteria provided, single submitter. Criteria: Invitae Variant Classification Sherloc (09022015). Collection method: clinical testing. Allele origin: germline.
Comment: This sequence change replaces aspartic acid, which is acidic and polar, with glycine, which is neutral and non-polar, at codon 279 of the TBX18 protein (p.Asp279Gly). This variant is present in population databases (rs187802523, gnomAD 0.2%), and has an allele count higher than expected for a pathogenic variant. This variant has not been reported in the literature in individuals affected with TBX18-related conditions. ClinVar contains an entry for this variant (Variation ID: 2055466). Invitae Evidence Modeling of protein sequence and biophysical properties (such as structural, functional, and spatial information, amino acid conservation, physicochemical variation, residue mobility, and thermodynamic stability) indicates that this missense variant is not expected to disrupt TBX18 protein function with a negative predictive value of 80%. In summary, the available evidence is currently insufficient to determine the role of this variant in disease. Therefore, it has been classified as a Variant of Uncertain Significance.

NM_001080508.3(TBX18):c.836A>G (p.Asp279Gly)

Gene: TBX18 (T-box transcription factor 18; minus strand). Cytogenetic location: 6q14.3.
Variant type: single nucleotide variant.
Coding change: c.836A>G on transcript NM_001080508.3 (MANE Select); coding-DNA position 836, A replaced by G.
Protein change: p.Asp279Gly; replaces aspartic acid 279 with glycine.
Molecular consequence: missense variant.
Genome position (GRCh38, 1-based): chr6:84,748,023, T>C on the plus strand (A>G on the coding strand, the complement: TBX18 is on the minus strand). VCF-style: chr6-84748023-T-C. GRCh37 (hg19) VCF-style: chr6-85457741-T-C.
Other names: short protein forms D279G.
Identifiers: ClinVar variation 2055466 (VCV002055466.4), dbSNP rs187802523, ClinGen allele CA3910991.